The following is an entry in ClinVar:

NM_002473.6(MYH9):c.705+9C>T

Gene: MYH9 (myosin heavy chain 9; minus strand). Cytogenetic location: 22q12.3.
Variant type: single nucleotide variant.
Coding change: c.705+9C>T on transcript NM_002473.6 (MANE Select); 9 bases into the intron after coding-DNA position 705, C replaced by T.
Molecular consequence: intron variant.
Genome position (GRCh38, 1-based): chr22:36,322,420, G>A on the plus strand (C>T on the coding strand, the complement: MYH9 is on the minus strand). VCF-style: chr22-36322420-G-A. GRCh37 (hg19) VCF-style: chr22-36718465-G-A.
Other names: c.705+9C>T (NM_002473.5).
Identifiers: ClinVar variation 44574 (VCV000044574.14), dbSNP rs397516781, ClinGen allele CA134567.

ClinVar aggregate classification (germline): Likely benign. Review status: criteria provided, multiple submitters, no conflicts (2 of 4 stars). 3 submissions from 3 submitters: Likely benign (2). 1 of the submissions does not count toward it. Last evaluated 2025-10-11.

Conditions:
MYH9-related disorder. Identifiers: MedGen C1854520.

Allele frequency attached by ClinVar (database versions not stated): gnomAD 0.00002; TOPMed 0.00005; gnomAD exomes 0.00007 and 0.00010; ExAC 0.00010.
gnomAD v4.1: 100 of 1,613,582 alleles (0.0062%); highest among the groups gnomAD compares: South Asian, 0.012%; 2 homozygotes.

Submissions (3):

Labcorp Genetics (formerly Invitae), Labcorp
Classification: Likely benign. Last evaluated: 2025-10-11. Review status: criteria provided, single submitter. Criteria: Invitae Variant Classification Sherloc (09022015). Collection method: clinical testing. Allele origin: germline.

Laboratory for Molecular Medicine, Mass General Brigham Personalized Medicine
Classification: Likely benign. Last evaluated: 2012-12-20. Review status: criteria provided, single submitter. Criteria: LMM Criteria. Collection method: clinical testing. Allele origin: germline. Observed: 1 variant allele.
Comment: 705+9C>T in Intron 6 of MYH9: This variant is not expected to have clinical sign ificance because it is not located within the conserved region of the splice con sensus sequence.

PreventionGenetics, part of Exact Sciences
Classification: Likely benign for MYH9-related condition. Last evaluated: 2021-03-23. Review status: no assertion criteria provided. Collection method: clinical testing. Allele origin: germline. Not counted in ClinVar's aggregate classification.
Comment: This variant is classified as likely benign based on ACMG/AMP sequence variant interpretation guidelines (Richards et al. 2015 PMID: 25741868, with internal and published modifications).